The following is an entry in ClinVar:

ClinVar aggregate classification (germline): Uncertain significance (1 of 4 stars; one submission).

gnomAD v4.1: 1 of 1,614,078 alleles (0.000062%); highest among the groups gnomAD compares: Non-Finnish European, 0.000085%; no homozygotes.

Submission:

Ambry Genetics
Classification: Uncertain significance. Last evaluated: 2025-02-19. Review status: criteria provided, single submitter. Criteria: Ambry Variant Classification Scheme 2023. Collection method: clinical testing. Allele origin: germline.
Comment: The p.H937D variant (also known as c.2809C>G), located in coding exon 1 of the TET2 gene, results from a C to G substitution at nucleotide position 2809. The histidine at codon 937 is replaced by aspartic acid, an amino acid with similar properties. This amino acid position is conserved. In addition, this alteration is predicted to be tolerated by in silico analysis. Based on the available evidence, the clinical significance of this variant remains unclear.

NM_001127208.3(TET2):c.2809C>G (p.His937Asp)

Genes: TET2 (tet methylcytosine dioxygenase 2; plus strand), TET2-AS1 (TET2 antisense RNA 1; minus strand). Cytogenetic location: 4q24.
Variant type: single nucleotide variant.
Coding change: c.2809C>G on transcript NM_001127208.3 (MANE Select); coding-DNA position 2809, C replaced by G.
Protein change: p.His937Asp; replaces histidine 937 with aspartic acid.
Molecular consequence: missense variant.
Genome position (GRCh38, 1-based): chr4:105,236,751, C>G. VCF-style: chr4-105236751-C-G. GRCh37 (hg19) VCF-style: chr4-106157908-C-G.
Other names: c.2809C>G, p.His937Asp (NM_017628.4); short protein forms H937D.
Identifiers: ClinVar variation 3806073 (VCV003806073.1).